The following is an entry in ClinVar:

NM_024915.4(GRHL2):c.1764-12C>G

Gene: GRHL2 (grainyhead like transcription factor 2; plus strand). Cytogenetic location: 8q22.3.
Variant type: single nucleotide variant.
Coding change: c.1764-12C>G on transcript NM_024915.4 (MANE Select); 12 bases into the intron before coding-DNA position 1764, C replaced by G.
Molecular consequence: intron variant.
Genome position (GRCh38, 1-based): chr8:101,666,577, C>G. VCF-style: chr8-101666577-C-G. GRCh37 (hg19) VCF-style: chr8-102678805-C-G.
Other names: c.1716-12C>G (NM_001330593.2).
Identifiers: ClinVar variation 228732 (VCV000228732.12), dbSNP rs371424751, ClinGen allele CA4830719.

ClinVar aggregate classification (germline): Conflicting classifications of pathogenicity. Review status: criteria provided, conflicting classifications (1 of 4 stars). 2 submissions from 2 submitters: Uncertain significance (1); Likely benign (1). Last evaluated 2025-12-09.

Allele frequency attached by ClinVar (database versions not stated): 1000 Genomes Project 30x 0.00016; 1000 Genomes Project 0.00020; TOPMed 0.00021.
gnomAD v4.1: 116 of 1,529,630 alleles (0.0076%); highest among the groups gnomAD compares: Middle Eastern, 0.13%; no homozygotes.

Submissions (2):

Labcorp Genetics (formerly Invitae), Labcorp
Classification: Likely benign. Last evaluated: 2025-12-09. Review status: criteria provided, single submitter. Criteria: Invitae Variant Classification Sherloc (09022015). Collection method: clinical testing. Allele origin: germline.

Laboratory for Molecular Medicine, Mass General Brigham Personalized Medicine
Classification: Uncertain significance. Last evaluated: 2016-11-18. Review status: criteria provided, single submitter. Criteria: LMM Criteria. Collection method: clinical testing. Allele origin: germline. Observed: 2 variant alleles.
Comment: This variant was identified in 5/16156 South Asian ch romosomes by the Exome Aggregation Consortium (ExAC. org; dbSNP rs371424751); however, its frequency is not high enough to rule out a pathogenic role. This variant is located in the 3' splice region. Computational tools do not suggest an impact to splicing; however, this information is not pr edictive enough to rule out pathogenicity. In summary, the clinical significance of the c.1764-12C>G variant is uncertain.